The following is an entry in ClinVar:

ClinVar aggregate classification (germline): Likely benign. Review status: criteria provided, multiple submitters, no conflicts (2 of 4 stars). 3 submissions from 3 submitters: Likely benign (2). 1 of the submissions does not count toward it. Last evaluated 2024-01-15.

Conditions:
Primary dilated cardiomyopathy (DCM). Also called: Dilated Cardiomyopathy. Identifiers: Orphanet 217604, MedGen C0007193, MeSH D002311, MONDO:0005021, HP:0001644. Inheritance: Various modes of inheritance.
Cardiovascular phenotype. Identifiers: MedGen CN230736.
TXNRD2-related disorder. Also called: TXNRD2-related condition.

Allele frequency attached by ClinVar (database versions not stated): gnomAD exomes 0.00003 and 0.00005; ExAC 0.00004.
gnomAD v4.1: 43 of 1,614,036 alleles (0.0027%); highest among the groups gnomAD compares: South Asian, 0.024%; no homozygotes.

Submissions (3):

Labcorp Genetics (formerly Invitae), Labcorp
Classification: Likely benign for Primary dilated cardiomyopathy. Last evaluated: 2024-01-15. Review status: criteria provided, single submitter. Criteria: Invitae Variant Classification Sherloc (09022015). Collection method: clinical testing. Allele origin: germline.

Ambry Genetics
Classification: Likely benign for Cardiovascular phenotype. Last evaluated: 2019-08-27. Review status: criteria provided, single submitter. Criteria: Ambry Variant Classification Scheme 2023. Collection method: clinical testing. Allele origin: germline.

PreventionGenetics, part of Exact Sciences
Classification: Likely benign for TXNRD2-related condition. Last evaluated: 2022-07-26. Review status: no assertion criteria provided. Collection method: clinical testing. Allele origin: germline. Not counted in ClinVar's aggregate classification.
Comment: This variant is classified as likely benign based on ACMG/AMP sequence variant interpretation guidelines (Richards et al. 2015 PMID: 25741868, with internal and published modifications).

NM_006440.5(TXNRD2):c.1008C>T (p.Pro336=)

Gene: TXNRD2 (thioredoxin reductase 2; minus strand). Cytogenetic location: 22q11.21.
Variant type: single nucleotide variant.
Coding change: c.1008C>T on transcript NM_006440.5 (MANE Select); coding-DNA position 1008, C replaced by T.
Protein change: p.Pro336=; no amino-acid change (proline 336 retained).
Molecular consequence: synonymous variant. On other transcripts: non-coding transcript variant (1).
Genome position (GRCh38, 1-based): chr22:19,883,403, G>A on the plus strand (C>T on the coding strand, the complement: TXNRD2 is on the minus strand). VCF-style: chr22-19883403-G-A. GRCh37 (hg19) VCF-style: chr22-19870926-G-A.
Other names: c.1005C>T, p.Pro335= (NM_001352300.2); c.918C>T, p.Pro306= (NM_001352301.2); c.720C>T, p.Pro240= (NM_001352302.2); c.1008C>T (NM_006440.4).
Identifiers: ClinVar variation 1139942 (VCV001139942.13), dbSNP rs746370708, ClinGen allele CA10103866.